The following is an entry in ClinVar:

NM_000344.4(SMN1):c.835-1G>A

Gene: SMN1 (survival of motor neuron 1, telomeric). Cytogenetic location: 5q13.2.
Variant type: single nucleotide variant.
Coding change: c.835-1G>A on transcript NM_000344.4 (MANE Select); the canonical splice acceptor site of the intron before coding-DNA position 835, G replaced by A.
Molecular consequence: splice acceptor variant. On other transcripts: intron variant (1).
Genome position (GRCh38, 1-based): chr5:70,951,940, G>A. VCF-style: chr5-70951940-G-A. GRCh37 (hg19) VCF-style: chr5-70247767-G-A.
Other names: c.835-499G>A (NM_001297715.1); c.739-1G>A (NM_022874.2).
Identifiers: ClinVar variation 632989 (VCV000632989.3), dbSNP rs1217001154, ClinGen allele CA360098086.
Genomic context (GRCh38, chr5:70,951,940, plus strand): 5'-TATATATAGCTATCTATGTCTATATAGCTATTTTTTTTAACTTCCTTTATTTTCCTTACA[G>A]GGTTTCAGACAAAATCAAAAAGAAGGAAGGTGCTCACATTCCTTAAATTAAGGAGTAAGT-3'

ClinVar aggregate classification (germline): Pathogenic/Likely pathogenic. Review status: criteria provided, multiple submitters, no conflicts (2 of 4 stars). 2 submissions from 2 submitters: Pathogenic (1); Likely pathogenic (1). Last evaluated 2024-04-19.

Conditions:
Spinal muscular atrophy (SMA). Identifiers: MedGen C0026847, MeSH D009134, MONDO:0001516, HP:0007269.
Werdnig-Hoffmann disease (SMA1). Also called: MUSCULAR ATROPHY, INFANTILE; SMA I; SMA, INFANTILE ACUTE FORM; HMN (Hereditary Motor Neuropathy) Proximal Type I. Identifiers: Orphanet 83330, MedGen C5848259, MONDO:0009669, OMIM 253300. Disease mechanism: loss of function.
Spinal muscular atrophy, type IV. Also called: Adult spinal muscular atrophy; SPINAL MUSCULAR ATROPHY, ADULT FORM; SPINAL MUSCULAR ATROPHY, PROXIMAL, ADULT, AUTOSOMAL RECESSIVE. Identifiers: Orphanet 83420, MedGen C1838230, MONDO:0010056, OMIM 271150.
Spinal muscular atrophy, type II (SMA2). Also called: MUSCULAR ATROPHY, SPINAL, INFANTILE CHRONIC FORM; MUSCULAR ATROPHY, SPINAL, INTERMEDIATE TYPE; SMA II. Identifiers: Orphanet 70, Orphanet 83418, MedGen C0393538, MONDO:0009673, OMIM 253550.
Kugelberg-Welander disease (SMA3). Also called: SPINAL MUSCULAR ATROPHY, TYPE III; KUGELBERG-WELANDER SYNDROME; MUSCULAR ATROPHY, JUVENILE; SMA III; SPINAL MUSCULAR ATROPHY, MILD CHILDHOOD AND ADOLESCENT FORM; Juvenile Spinal Muscular Atrophy. Identifiers: Orphanet 70, Orphanet 83419, MedGen C0152109, MONDO:0009672, OMIM 253400.

Allele frequency attached by ClinVar (database versions not stated): gnomAD exomes below 0.00001; TOPMed below 0.00001.

Submissions (2):

Fulgent Genetics
Classification: Likely pathogenic for Werdnig-Hoffmann disease; Kugelberg-Welander disease; Spinal muscular atrophy, type II; Spinal muscular atrophy, type IV. Last evaluated: 2024-04-19. Review status: criteria provided, single submitter. Criteria: ACMG Guidelines, 2015. Collection method: clinical testing. Allele origin: germline.

Women's Health and Genetics/Laboratory Corporation of America, LabCorp
Classification: Pathogenic for Spinal muscular atrophy. Last evaluated: 2020-09-23. Review status: criteria provided, single submitter. Criteria: LabCorp Variant Classification Summary - May 2015. Collection method: clinical testing. Allele origin: germline.
Comment: Variant summary: SMN1 c.835-1G>A is located in a canonical splice-site and is predicted to affect mRNA splicing resulting in a significantly altered protein due to either exon skipping, shortening, or inclusion of intronic material. Several computational tools predict a significant impact on normal splicing: Four predict that the variant abolishes the canonical 3' acceptor site and creates an alternative acceptor site by shifting it 1bp into the exon. At least one publication reports experimental evidence that this variant affects mRNA splicing by increasing the abundance of SMN1 transcripts lacking exon 7, a known mechanism of disease in Spinal Muscular Atrophy (SMA) (Sheng-Yuan_1010). The variant allele was found at a frequency of 4e-06 in 248238 control chromosomes. c.835-1G>A has been reported in the literature in at least one family with two individuals affected with SMA type 1 (Sheng-Yuan_2010). Both these individuals harbored this variant in a compound heterozygous genotype with the SMN1 exon 7 deletion on the other allele that was supported by parental analysis. No other clinical diagnostic laboratories have submitted clinical-significance assessments for this variant to ClinVar after 2014. Based on the evidence outlined above, the variant was classified as pathogenic.

Literature cited by the submitters: PubMed 20442745 (cited by Women's Health and Genetics/Laboratory Corporation of America, LabCorp).